The following is an entry in ClinVar:

ClinVar aggregate classification (germline): Uncertain significance (1 of 4 stars; one submission).

Allele frequency attached by ClinVar (database versions not stated): gnomAD 0.00001; TOPMed 0.00003; gnomAD exomes 0.00004.
gnomAD v4.1: 60 of 1,549,280 alleles (0.0039%); highest among the groups gnomAD compares: Non-Finnish European, 0.0048%; no homozygotes.

Submission:

Labcorp Genetics (formerly Invitae), Labcorp
Classification: Uncertain significance. Last evaluated: 2025-11-11. Review status: criteria provided, single submitter. Criteria: Invitae Variant Classification Sherloc (09022015). Collection method: clinical testing. Allele origin: germline.
Comment: This sequence change replaces serine, which is neutral and polar, with asparagine, which is neutral and polar, at codon 136 of the FOXI3 protein (p.Ser136Asn). This variant is not present in population databases (gnomAD no frequency). This variant has not been reported in the literature in individuals affected with FOXI3-related conditions. ClinVar contains an entry for this variant (Variation ID: 1940680). Experimental studies and prediction algorithms are not available or were not evaluated, and the functional significance of this variant is currently unknown. In summary, the available evidence is currently insufficient to determine the role of this variant in disease. Therefore, it has been classified as a Variant of Uncertain Significance.

NM_001135649.3(FOXI3):c.407G>A (p.Ser136Asn)

Gene: FOXI3 (forkhead box I3; minus strand). Cytogenetic location: 2p11.2.
Variant type: single nucleotide variant.
Coding change: c.407G>A on transcript NM_001135649.3 (MANE Select); coding-DNA position 407, G replaced by A.
Protein change: p.Ser136Asn; replaces serine 136 with asparagine.
Molecular consequence: missense variant.
Genome position (GRCh38, 1-based): chr2:88,452,129, C>T on the plus strand (G>A on the coding strand, the complement: FOXI3 is on the minus strand). VCF-style: chr2-88452129-C-T. GRCh37 (hg19) VCF-style: chr2-88751648-C-T.
Other names: short protein forms S136N.
Identifiers: ClinVar variation 1940680 (VCV001940680.5), dbSNP rs1243153107, ClinGen allele CA347766419.